The following is an entry in ClinVar:

ClinVar aggregate classification (germline): Uncertain significance. Review status: criteria provided, multiple submitters, no conflicts (2 of 4 stars). 2 submissions from 2 submitters: Uncertain significance (2). Last evaluated 2025-04-08.

Conditions:
Cardiomyopathy, familial hypertrophic 27. Identifiers: MedGen C4748014, MONDO:0054838, OMIM 618052.

Submissions (2):

ARUP Laboratories, Molecular Genetics and Genomics, ARUP Laboratories
Classification: Uncertain significance for Cardiomyopathy, familial hypertrophic 27. Last evaluated: 2025-04-08. Review status: criteria provided, single submitter. Criteria: ARUP Molecular Germline Variant Investigation Process 2024. Collection method: clinical testing. Allele origin: germline.
Comment: The ALPK3 c.2885A>G; p.Asn962Ser variant (rs1007366795), to our knowledge, is not reported in the medical literature but is reported in ClinVar (Variation ID: 1925434). This variant is also absent from the Genome Aggregation Database (v2.1.1), indicating it is not a common polymorphism. Computational analyses predict that this variant is neutral (REVEL: 0.127). Due to limited information, the clinical significance of this variant is uncertain at this time.

Labcorp Genetics (formerly Invitae), Labcorp
Classification: Uncertain significance. Last evaluated: 2023-09-10. Review status: criteria provided, single submitter. Criteria: Invitae Variant Classification Sherloc (09022015). Collection method: clinical testing. Allele origin: germline.
Comment: In summary, the available evidence is currently insufficient to determine the role of this variant in disease. Therefore, it has been classified as a Variant of Uncertain Significance. Algorithms developed to predict the effect of missense changes on protein structure and function output the following: SIFT: "Not Available"; PolyPhen-2: "Benign"; Align-GVGD: "Not Available". The serine amino acid residue is found in multiple mammalian species, which suggests that this missense change does not adversely affect protein function. ClinVar contains an entry for this variant (Variation ID: 1925434). This variant has not been reported in the literature in individuals affected with ALPK3-related conditions. This variant is not present in population databases (gnomAD no frequency). This sequence change replaces asparagine, which is neutral and polar, with serine, which is neutral and polar, at codon 1164 of the ALPK3 protein (p.Asn1164Ser).

NM_020778.5(ALPK3):c.2885A>G (p.Asn962Ser)

Gene: ALPK3 (alpha kinase 3; plus strand). Cytogenetic location: 15q25.3.
Variant type: single nucleotide variant.
Coding change: c.2885A>G on transcript NM_020778.5 (MANE Select); coding-DNA position 2885, A replaced by G.
Protein change: p.Asn962Ser; replaces asparagine 962 with serine.
Molecular consequence: missense variant.
Genome position (GRCh38, 1-based): chr15:84,857,623, A>G. VCF-style: chr15-84857623-A-G. GRCh37 (hg19) VCF-style: chr15-85400854-A-G.
Other names: short protein forms N962S.
Identifiers: ClinVar variation 1925434 (VCV001925434.6), dbSNP rs1007366795, ClinGen allele CA273624853.
Genomic context (GRCh38, chr15:84,857,623, plus strand): 5'-TGGAGGGGCGGACCCCAGGTCCCCGGAGCTGTGACCCTGGCCTCATAGATTCCCTGAAGA[A>G]CTACCTGCTTCTGCTGCTGAAGCTGTCCAGCACAGAGACAAGTGGAGCAGGGGGAGAGTC-3'
Protein context (NP_065829.4, residues 952-972): CDPGLIDSLK[Asn962Ser]YLLLLLKLSS